The following is an entry in ClinVar:

ClinVar aggregate classification (germline): Uncertain significance (1 of 4 stars; one submission).

Conditions:
Joubert syndrome. Also called: CEREBELLOPARENCHYMAL DISORDER IV; JOUBERT-BOLTSHAUSER SYNDROME; Familial aplasia of the vermis. Identifiers: Orphanet 475, MedGen C5979921, MONDO:0018772.
Meckel-Gruber syndrome. Also called: DYSENCEPHALIA SPLANCHNOCYSTICA; GRUBER SYNDROME; Dysencephalia splachnocystica. Identifiers: Orphanet 564, MedGen C0265215, MONDO:0018921.

Submission:

Labcorp Genetics (formerly Invitae), Labcorp
Classification: Uncertain significance for Joubert syndrome; Meckel-Gruber syndrome. Last evaluated: 2022-03-10. Review status: criteria provided, single submitter. Criteria: Invitae Variant Classification Sherloc (09022015). Collection method: clinical testing. Allele origin: germline.
Comment: In summary, the available evidence is currently insufficient to determine the role of this variant in disease. Therefore, it has been classified as a Variant of Uncertain Significance. Algorithms developed to predict the effect of missense changes on protein structure and function are either unavailable or do not agree on the potential impact of this missense change (SIFT: "Deleterious"; PolyPhen-2: "Benign"; Align-GVGD: "Class C0"). This variant has not been reported in the literature in individuals affected with RPGRIP1L-related conditions. This variant is not present in population databases (gnomAD no frequency). This sequence change replaces aspartic acid, which is acidic and polar, with asparagine, which is neutral and polar, at codon 1062 of the RPGRIP1L protein (p.Asp1062Asn).

NM_015272.5(RPGRIP1L):c.3184G>A (p.Asp1062Asn)

Gene: RPGRIP1L (RPGRIP1 like; minus strand). Cytogenetic location: 16q12.2.
Variant type: single nucleotide variant.
Coding change: c.3184G>A on transcript NM_015272.5 (MANE Select); coding-DNA position 3184, G replaced by A.
Protein change: p.Asp1062Asn; replaces aspartic acid 1062 with asparagine.
Molecular consequence: missense variant.
Genome position (GRCh38, 1-based): chr16:53,637,731, C>T on the plus strand (G>A on the coding strand, the complement: RPGRIP1L is on the minus strand). VCF-style: chr16-53637731-C-T. GRCh37 (hg19) VCF-style: chr16-53671643-C-T.
Other names: c.3082G>A, p.Asp1028Asn (NM_001127897.4, NM_001330538.2); c.3184G>A, p.Asp1062Asn (NM_001308334.3); short protein forms D1062N, D1028N.
Identifiers: ClinVar variation 2108219 (VCV002108219.4), dbSNP rs2543988258, ClinGen allele CA395926205.